The following is an entry in ClinVar:

ClinVar aggregate classification (germline): Conflicting classifications of pathogenicity. Review status: criteria provided, conflicting classifications (1 of 4 stars). 15 submissions from 15 submitters: Uncertain significance (1); Benign (4); Likely benign (4). 6 of the submissions do not count toward it. Last evaluated 2026-02-01.

Conditions:
MYH6-related disorder. Also called: MYH6-related condition; MYH6-Related Disorders.
Hypertrophic cardiomyopathy 14. Identifiers: MedGen C2750467, MONDO:0013197, OMIM 613251.
Cardiovascular phenotype. Identifiers: MedGen CN230736.
Cardiomyopathy (CMYO). Also called: Cardiomyopathies. Identifiers: Orphanet 167848, MedGen C0878544, MONDO:0004994, HP:0001638. Inheritance: Various modes of inheritance.

Allele frequency attached by ClinVar (database versions not stated): ESP Exome Variant Server 0.00038; 1000 Genomes Project 0.00040; 1000 Genomes Project 30x 0.00047; gnomAD exomes 0.00053 and 0.00111; gnomAD 0.00059 and 0.00062; TOPMed 0.00067; ExAC 0.00082.
gnomAD v4.1: 923 of 1,612,754 alleles (0.057%); highest among the groups gnomAD compares: Middle Eastern, 0.2%; 8 homozygotes.

Submissions (15):

Labcorp Genetics (formerly Invitae), Labcorp
Classification: Benign for Hypertrophic cardiomyopathy 14. Last evaluated: 2026-02-01. Review status: criteria provided, single submitter. Criteria: Invitae Variant Classification Sherloc (09022015). Collection method: clinical testing. Allele origin: germline.

CeGaT Center for Human Genetics Tuebingen
Classification: Likely benign. Last evaluated: 2025-03-01. Review status: criteria provided, single submitter. Criteria: CeGaT Center For Human Genetics Tuebingen Variant Classification Criteria Version 2. Collection method: clinical testing. Allele origin: germline. Affected: yes. Observed: 3 variant alleles.
Comment: MYH6: BP4, BP7, BS1

ARUP Laboratories, Molecular Genetics and Genomics, ARUP Laboratories
Classification: Benign. Last evaluated: 2024-11-21. Review status: criteria provided, single submitter. Criteria: ARUP Molecular Germline Variant Investigation Process 2024. Collection method: clinical testing. Allele origin: germline.

Blueprint Genetics
Classification: Likely benign. Last evaluated: 2024-11-01. Review status: criteria provided, single submitter. Criteria: ACMG Guidelines, 2015. Collection method: clinical testing. Allele origin: germline.

Ambry Genetics
Classification: Likely benign for Cardiovascular phenotype. Last evaluated: 2023-11-07. Review status: criteria provided, single submitter. Criteria: Ambry Variant Classification Scheme 2023. Collection method: clinical testing. Allele origin: germline.

GeneDx
Classification: Likely benign. Last evaluated: 2021-09-28. Review status: criteria provided, single submitter. Criteria: GeneDx Variant Classification Process June 2021. Collection method: clinical testing. Allele origin: germline. Affected: yes.

Women's Health and Genetics/Laboratory Corporation of America, LabCorp
Classification: Benign. Last evaluated: 2021-03-13. Review status: criteria provided, single submitter. Criteria: LabCorp Variant Classification Summary - May 2015. Collection method: clinical testing. Allele origin: germline.

CHEO Genetics Diagnostic Laboratory, Children's Hospital of Eastern Ontario
Classification: Benign for Cardiomyopathy. Last evaluated: 2019-09-26. Review status: criteria provided, single submitter. Criteria: ACMG Guidelines, 2015. Collection method: clinical testing. Allele origin: germline.

Eurofins Ntd Llc (ga)
Classification: Uncertain significance. Last evaluated: 2017-01-06. Review status: criteria provided, single submitter. Criteria: EGL Classification Definitions 2015. Collection method: clinical testing. Allele origin: germline. Observed: 1 variant allele, 1 heterozygote.

PreventionGenetics, part of Exact Sciences
Classification: Benign for MYH6-related condition. Last evaluated: 2019-05-02. Review status: no assertion criteria provided. Collection method: clinical testing. Allele origin: germline. Not counted in ClinVar's aggregate classification.
Comment: This variant is classified as benign based on ACMG/AMP sequence variant interpretation guidelines (Richards et al. 2015 PMID: 25741868, with internal and published modifications).

Clinical Genetics DNA and cytogenetics Diagnostics Lab, Erasmus MC, Erasmus Medical Center
Classification: Likely benign. Review status: no assertion criteria provided. Collection method: clinical testing. Allele origin: germline. Affected: yes. Study: VKGL Data-share Consensus. Not counted in ClinVar's aggregate classification.

Clinical Genetics, Academic Medical Center
Classification: Benign. Review status: no assertion criteria provided. Collection method: clinical testing. Allele origin: germline. Affected: yes. Study: VKGL Data-share Consensus. Not counted in ClinVar's aggregate classification.

Diagnostic Laboratory, Department of Genetics, University Medical Center Groningen
Classification: Likely benign. Review status: no assertion criteria provided. Collection method: clinical testing. Allele origin: germline. Affected: yes. Study: VKGL Data-share Consensus. Not counted in ClinVar's aggregate classification.

Genome Diagnostics Laboratory, University Medical Center Utrecht
Classification: Benign. Review status: no assertion criteria provided. Collection method: clinical testing. Allele origin: germline. Affected: yes. Study: VKGL Data-share Consensus. Not counted in ClinVar's aggregate classification.

Joint Genome Diagnostic Labs from Nijmegen and Maastricht, Radboudumc and MUMC+
Classification: Benign. Review status: no assertion criteria provided. Collection method: clinical testing. Allele origin: germline. Affected: yes. Study: VKGL Data-share Consensus. Not counted in ClinVar's aggregate classification.

NM_002471.4(MYH6):c.5652C>T (p.Ala1884=)

Gene: MYH6 (myosin heavy chain 6; minus strand). Cytogenetic location: 14q11.2.
Variant type: single nucleotide variant.
Coding change: c.5652C>T on transcript NM_002471.4 (MANE Select); coding-DNA position 5652, C replaced by T.
Protein change: p.Ala1884=; no amino-acid change (alanine 1884 retained).
Molecular consequence: synonymous variant.
Genome position (GRCh38, 1-based): chr14:23,383,234, G>A on the plus strand (C>T on the coding strand, the complement: MYH6 is on the minus strand). VCF-style: chr14-23383234-G-A. GRCh37 (hg19) VCF-style: chr14-23852443-G-A.
Identifiers: ClinVar variation 312839 (VCV000312839.60), dbSNP rs200662317, ClinGen allele CA7114326.